The following is an entry in ClinVar:

ClinVar aggregate classification (germline): Benign. Review status: criteria provided, multiple submitters, no conflicts (2 of 4 stars). 7 submissions from 7 submitters: Benign (6). 1 of the submissions does not count toward it. Last evaluated 2026-02-01.

Conditions:
NFU1-related disorder. Also called: NFU1-related condition.
Multiple mitochondrial dysfunctions syndrome 1 (MMDS1). Identifiers: Orphanet 401869, MedGen C3276432, MONDO:0011582, OMIM 605711.

Allele frequency attached by ClinVar (database versions not stated): ESP Exome Variant Server 0.00115; gnomAD exomes 0.00429 and 0.01956; gnomAD 0.00972 and 0.00978; ExAC 0.01465; 1000 Genomes Project 0.01577; TOPMed 0.01791; 1000 Genomes Project 30x 0.01811.
gnomAD v4.1: 7,742 of 1,612,638 alleles (0.48%); highest among the groups gnomAD compares: Admixed American, 12%; 541 homozygotes.

Submissions (7):

Labcorp Genetics (formerly Invitae), Labcorp
Classification: Benign for Multiple mitochondrial dysfunctions syndrome 1. Last evaluated: 2026-02-01. Review status: criteria provided, single submitter. Criteria: Invitae Variant Classification Sherloc (09022015). Collection method: clinical testing. Allele origin: germline.

Blueprint Genetics
Classification: Benign. Last evaluated: 2024-11-18. Review status: criteria provided, single submitter. Criteria: ACMG Guidelines, 2015. Collection method: clinical testing. Allele origin: germline.

Illumina Laboratory Services, Illumina
Classification: Benign for Multiple mitochondrial dysfunctions syndrome 1. Last evaluated: 2018-01-13. Review status: criteria provided, single submitter. Criteria: ICSL Variant Classification Criteria 13 December 2019. Collection method: clinical testing. Allele origin: germline.
Comment: This variant was observed in the ICSL laboratory as part of a predisposition screen in an ostensibly healthy population. It had not been previously curated by ICSL or reported in the Human Gene Mutation Database (HGMD: prior to June 1st, 2018), and was therefore a candidate for classification through an automated scoring system. Utilizing variant allele frequency, disease prevalence and penetrance estimates, and inheritance mode, an automated score was calculated to assess if this variant is too frequent to cause the disease. Based on the score and internal cut-off values, a variant classified as benign is not then subjected to further curation. The score for this variant resulted in a classification of benign for this disease.

Mayo Clinic Laboratories, Mayo Clinic
Classification: Benign. Last evaluated: 2017-11-08. Review status: criteria provided, single submitter. Criteria: ACMG Guidelines, 2015. Collection method: clinical testing. Allele origin: germline. Observed: 15 variant alleles.

GeneDx
Classification: Benign. Last evaluated: 2013-09-18. Review status: criteria provided, single submitter. Criteria: GeneDx Variant Classification (06012015). Collection method: clinical testing. Allele origin: germline. Affected: yes.
Comment: This variant is considered likely benign or benign based on one or more of the following criteria: it is a conservative change, it occurs at a poorly conserved position in the protein, it is predicted to be benign by multiple in silico algorithms, and/or has population frequency not consistent with disease.

Breakthrough Genomics
Classification: Benign. Review status: criteria provided, single submitter. Criteria: ACMG Guidelines, 2015. Collection method: not provided. Allele origin: germline. Inheritance: Autosomal recessive inheritance. Affected: yes.

PreventionGenetics, part of Exact Sciences
Classification: Benign for NFU1-related condition. Last evaluated: 2019-06-20. Review status: no assertion criteria provided. Collection method: clinical testing. Allele origin: germline. Not counted in ClinVar's aggregate classification.
Comment: This variant is classified as benign based on ACMG/AMP sequence variant interpretation guidelines (Richards et al. 2015 PMID: 25741868, with internal and published modifications).

NM_001002755.4(NFU1):c.411T>C (p.Ile137=)

Gene: NFU1 (NFU1 iron-sulfur cluster scaffold; minus strand). Cytogenetic location: 2p13.3.
Variant type: single nucleotide variant.
Coding change: c.411T>C on transcript NM_001002755.4 (MANE Select); coding-DNA position 411, T replaced by C.
Protein change: p.Ile137=; no amino-acid change (isoleucine 137 retained).
Molecular consequence: synonymous variant. On other transcripts: 5 prime UTR variant (1), non-coding transcript variant (2).
Genome position (GRCh38, 1-based): chr2:69,415,258, A>G on the plus strand (T>C on the coding strand, the complement: NFU1 is on the minus strand). VCF-style: chr2-69415258-A-G. GRCh37 (hg19) VCF-style: chr2-69642390-A-G.
Other names: p.I137I:ATT>ATC; p.Ile137=; c.411T>C (NM_001002755.3); c.-13T>C (NM_001002756.2); c.339T>C, p.Ile113= (NM_001374284.1, NM_015700.4).
Identifiers: ClinVar variation 138515 (VCV000138515.19), dbSNP rs12474866, ClinGen allele CA292531.